The following is an entry in ClinVar:

ClinVar aggregate classification (germline): Benign (0 of 4 stars; one submission).

Conditions:
BMP6-related disorder. Also called: BMP6-related condition.

Allele frequency attached by ClinVar (database versions not stated): 1000 Genomes Project 0.03874; 1000 Genomes Project 30x 0.03904; ExAC 0.03983; gnomAD 0.04594; TOPMed 0.04772; gnomAD exomes 0.04855; ESP Exome Variant Server 0.05644.
gnomAD v4.1: 78,140 of 1,614,194 alleles (4.8%); highest among the groups gnomAD compares: Middle Eastern, 7%; 2,052 homozygotes.

Submission:

PreventionGenetics, part of Exact Sciences
Classification: Benign for BMP6-related condition. Last evaluated: 2024-05-07. Review status: no assertion criteria provided. Collection method: clinical testing. Allele origin: germline.
Comment: This variant is classified as benign based on ACMG/AMP sequence variant interpretation guidelines (Richards et al. 2015 PMID: 25741868, with internal and published modifications).

NM_001718.6(BMP6):c.1062C>T (p.Asp354=)

Gene: BMP6 (bone morphogenetic protein 6; plus strand). Cytogenetic location: 6p24.3.
Variant type: single nucleotide variant.
Coding change: c.1062C>T on transcript NM_001718.6 (MANE Select); coding-DNA position 1062, C replaced by T.
Protein change: p.Asp354=; no amino-acid change (aspartic acid 354 retained).
Molecular consequence: synonymous variant.
Genome position (GRCh38, 1-based): chr6:7,862,356, C>T. VCF-style: chr6-7862356-C-T. GRCh37 (hg19) VCF-style: chr6-7862589-C-T.
Identifiers: ClinVar variation 3056887 (VCV003056887.2), dbSNP rs17558, ClinGen allele CA3628827.